The following is an entry in ClinVar:

NM_014014.5(SNRNP200):c.3783G>A (p.Pro1261=)

Gene: SNRNP200 (small nuclear ribonucleoprotein U5 subunit 200; minus strand). Cytogenetic location: 2q11.2.
Variant type: single nucleotide variant.
Coding change: c.3783G>A on transcript NM_014014.5 (MANE Select); coding-DNA position 3783, G replaced by A.
Protein change: p.Pro1261=; no amino-acid change (proline 1261 retained).
Molecular consequence: synonymous variant.
Genome position (GRCh38, 1-based): chr2:96,286,734, C>T on the plus strand (G>A on the coding strand, the complement: SNRNP200 is on the minus strand). VCF-style: chr2-96286734-C-T. GRCh37 (hg19) VCF-style: chr2-96952472-C-T.
Identifiers: ClinVar variation 779076 (VCV000779076.12), dbSNP rs770679567, ClinGen allele CA1778383.

ClinVar aggregate classification (germline): Likely benign. Review status: criteria provided, multiple submitters, no conflicts (2 of 4 stars). 3 submissions from 3 submitters: Likely benign (2). 1 of the submissions does not count toward it. Last evaluated 2022-07-25.

Conditions:
SNRNP200-related disorder. Also called: SNRNP200-related condition.

Allele frequency attached by ClinVar (database versions not stated): TOPMed 0.00002.
gnomAD v4.1: 70 of 1,613,972 alleles (0.0043%); highest among the groups gnomAD compares: Non-Finnish European, 0.0058%; no homozygotes.

Submissions (3):

Labcorp Genetics (formerly Invitae), Labcorp
Classification: Likely benign. Last evaluated: 2022-07-25. Review status: criteria provided, single submitter. Criteria: Invitae Variant Classification Sherloc (09022015). Collection method: clinical testing. Allele origin: germline.

Blueprint Genetics
Classification: Likely benign. Last evaluated: 2020-02-13. Review status: criteria provided, single submitter. Criteria: ACMG Guidelines, 2015. Collection method: clinical testing. Allele origin: germline.

PreventionGenetics, part of Exact Sciences
Classification: Likely benign for SNRNP200-related condition. Last evaluated: 2019-12-18. Review status: no assertion criteria provided. Collection method: clinical testing. Allele origin: germline. Not counted in ClinVar's aggregate classification.
Comment: This variant is classified as likely benign based on ACMG/AMP sequence variant interpretation guidelines (Richards et al. 2015 PMID: 25741868, with internal and published modifications).